The following is an entry in ClinVar:

ClinVar aggregate classification (germline): Uncertain significance (1 of 4 stars; one submission).

Submission:

Labcorp Genetics (formerly Invitae), Labcorp
Classification: Uncertain significance. Last evaluated: 2025-09-02. Review status: criteria provided, single submitter. Criteria: Invitae Variant Classification Sherloc (09022015). Collection method: clinical testing. Allele origin: germline.
Comment: This sequence change replaces asparagine, which is neutral and polar, with tyrosine, which is neutral and polar, at codon 870 of the MTOR protein (p.Asn870Tyr). This variant is not present in population databases (gnomAD no frequency). This variant has not been reported in the literature in individuals affected with MTOR-related conditions. ClinVar contains an entry for this variant (Variation ID: 1466125). Invitae Evidence Modeling of protein sequence and biophysical properties (such as structural, functional, and spatial information, amino acid conservation, physicochemical variation, residue mobility, and thermodynamic stability) indicates that this missense variant is not expected to disrupt MTOR protein function with a negative predictive value of 95%. In summary, the available evidence is currently insufficient to determine the role of this variant in disease. Therefore, it has been classified as a Variant of Uncertain Significance.

NM_004958.4(MTOR):c.2608A>T (p.Asn870Tyr)

Gene: MTOR (mechanistic target of rapamycin kinase; minus strand). Cytogenetic location: 1p36.22.
Variant type: single nucleotide variant.
Coding change: c.2608A>T on transcript NM_004958.4 (MANE Select); coding-DNA position 2608, A replaced by T.
Protein change: p.Asn870Tyr; replaces asparagine 870 with tyrosine.
Molecular consequence: missense variant.
Genome position (GRCh38, 1-based): chr1:11,231,341, T>A on the plus strand (A>T on the coding strand, the complement: MTOR is on the minus strand). VCF-style: chr1-11231341-T-A. GRCh37 (hg19) VCF-style: chr1-11291398-T-A.
Other names: c.2608A>T, p.Asn870Tyr (NM_001386500.1); c.1360A>T, p.Asn454Tyr (NM_001386501.1); short protein forms N454Y, N870Y.
Identifiers: ClinVar variation 1466125 (VCV001466125.8), dbSNP rs2100868022, ClinGen allele CA338382460.
Genomic context (GRCh38, chr1:11,231,341, plus strand): 5'-AGTTTGCCACGTCCCCTACCTCTCTGCGTGTACCCTGGTTCTGCTCAGTCTTCAGAAAAT[T>A]CAGTAGCACCTCAAGCAAAGTAGGGTACTTCCTGTAGGGCTCTACTACATAGCCAGTGCT-3'
Protein context (NP_004949.1, residues 860-880): KYPTLLEVLL[Asn870Tyr]FLKTEQNQGT